The following is an entry in ClinVar:

NM_000903.3(NQO1):c.773A>G (p.His258Arg)

Gene: NQO1 (NAD(P)H quinone dehydrogenase 1; minus strand). Cytogenetic location: 16q22.1.
Variant type: single nucleotide variant.
Coding change: c.773A>G on transcript NM_000903.3 (MANE Select); coding-DNA position 773, A replaced by G.
Protein change: p.His258Arg; replaces histidine 258 with arginine.
Molecular consequence: missense variant.
Genome position (GRCh38, 1-based): chr16:69,711,028, T>C on the plus strand (A>G on the coding strand, the complement: NQO1 is on the minus strand). VCF-style: chr16-69711028-T-C. GRCh37 (hg19) VCF-style: chr16-69744931-T-C.
Other names: c.671A>G, p.His224Arg (NM_001025433.2); c.659A>G, p.His220Arg (NM_001025434.2); c.557A>G, p.His186Arg (NM_001286137.2); short protein forms H186R, H220R, H224R, H258R.
Identifiers: ClinVar variation 1760383 (VCV001760383.2), dbSNP rs768138736, ClinGen allele CA8136130.

ClinVar aggregate classification (germline): Uncertain significance (1 of 4 stars; one submission).

Allele frequency attached by ClinVar (database versions not stated): TOPMed 0.00001; gnomAD 0.00002; gnomAD exomes 0.00004; ExAC 0.00017.

Submission:

Ambry Genetics
Classification: Uncertain significance. Last evaluated: 2022-10-20. Review status: criteria provided, single submitter. Criteria: Ambry Variant Classification Scheme 2023. Collection method: clinical testing. Allele origin: germline.
Comment: The p.H258R variant (also known as c.773A>G), located in coding exon 6 of the NQO1 gene, results from an A to G substitution at nucleotide position 773. The histidine at codon 258 is replaced by arginine, an amino acid with highly similar properties. This amino acid position is conserved. In addition, this alteration is predicted to be tolerated by in silico analysis. Since supporting evidence is limited at this time, the clinical significance of this alteration remains unclear.